The following is an entry in ClinVar:

ClinVar aggregate classification (germline): Uncertain significance. Review status: criteria provided, multiple submitters, no conflicts (2 of 4 stars). 2 submissions from 2 submitters: Uncertain significance (2). Last evaluated 2025-07-13.

Conditions:
Hereditary cancer-predisposing syndrome. Also called: Tumor predisposition; Hereditary Cancer Syndrome; Neoplastic Syndromes, Hereditary; Hereditary neoplastic syndrome. Identifiers: Orphanet 140162, MedGen C0027672, MeSH D009386, MONDO:0015356.
Rhabdoid tumor predisposition syndrome 2 (RTPS2). Identifiers: Orphanet 231108, Orphanet 69077, MedGen C2750074, MONDO:0013224, OMIM 613325.

gnomAD v4.1: 1 of 1,612,254 alleles (0.000062%); no homozygotes.

Submissions (2):

Labcorp Genetics (formerly Invitae), Labcorp
Classification: Uncertain significance for Rhabdoid tumor predisposition syndrome 2. Last evaluated: 2025-07-13. Review status: criteria provided, single submitter. Criteria: Invitae Variant Classification Sherloc (09022015). Collection method: clinical testing. Allele origin: germline.
Comment: This sequence change replaces aspartic acid, which is acidic and polar, with asparagine, which is neutral and polar, at codon 1257 of the SMARCA4 protein (p.Asp1257Asn). This variant is not present in population databases (gnomAD no frequency). This variant has not been reported in the literature in individuals affected with SMARCA4-related conditions. ClinVar contains an entry for this variant (Variation ID: 2418508). An algorithm developed to predict the effect of missense changes on protein structure and function (PolyPhen-2) suggests that this variant is likely to be tolerated. In summary, the available evidence is currently insufficient to determine the role of this variant in disease. Therefore, it has been classified as a Variant of Uncertain Significance.

Ambry Genetics
Classification: Uncertain significance for Hereditary cancer-predisposing syndrome. Last evaluated: 2024-02-22. Review status: criteria provided, single submitter. Criteria: Ambry Variant Classification Scheme 2023. Collection method: clinical testing. Allele origin: germline.
Comment: The p.D1257N variant (also known as c.3769G>A), located in coding exon 25 of the SMARCA4 gene, results from a G to A substitution at nucleotide position 3769. The aspartic acid at codon 1257 is replaced by asparagine, an amino acid with highly similar properties. This amino acid position is well conserved in available vertebrate species. In addition, this alteration is predicted to be tolerated by in silico analysis. Based on the available evidence, the clinical significance of this alteration remains unclear.

NM_003072.5(SMARCA4):c.3769G>A (p.Asp1257Asn)

Gene: SMARCA4 (SWI/SNF related BAF chromatin remodeling complex subunit ATPase 4; plus strand). Cytogenetic location: 19p13.2.
Variant type: single nucleotide variant.
Coding change: c.3769G>A on transcript NM_003072.5 (MANE Select); coding-DNA position 3769, G replaced by A.
Protein change: p.Asp1257Asn; replaces aspartic acid 1257 with asparagine.
Molecular consequence: missense variant. On other transcripts: non-coding transcript variant (1).
Genome position (GRCh38, 1-based): chr19:11,033,512, G>A. VCF-style: chr19-11033512-G-A. GRCh37 (hg19) VCF-style: chr19-11144188-G-A.
Other names: c.3769G>A (NM_001128849.1); c.3769G>A, p.Asp1257Asn (NM_001128844.3, NM_001128845.2, NM_001128846.2 and 6 more transcripts); short protein forms D1257N.
Identifiers: ClinVar variation 2418508 (VCV002418508.7), dbSNP rs878854214, ClinGen allele CA404066231.